The following is an entry in ClinVar:

ClinVar aggregate classification (germline): Uncertain significance (1 of 4 stars; one submission).

Allele frequency attached by ClinVar (database versions not stated): gnomAD 0.00002 and 0.00003; TOPMed 0.00003; gnomAD exomes 0.00004; ExAC 0.00005.
gnomAD v4.1: 70 of 1,532,034 alleles (0.0046%); highest among the groups gnomAD compares: Middle Eastern, 0.052%; no homozygotes.

Submission:

Labcorp Genetics (formerly Invitae), Labcorp
Classification: Uncertain significance. Last evaluated: 2026-01-14. Review status: criteria provided, single submitter. Criteria: Invitae Variant Classification Sherloc (09022015). Collection method: clinical testing. Allele origin: germline.
Comment: This sequence change replaces proline, which is neutral and non-polar, with leucine, which is neutral and non-polar, at codon 858 of the TNK2 protein (p.Pro858Leu). The frequency data for this variant in the population databases is considered unreliable, as metrics indicate poor data quality at this position in the gnomAD database. This variant has not been reported in the literature in individuals affected with TNK2-related conditions. ClinVar contains an entry for this variant (Variation ID: 1500608). An algorithm developed to predict the effect of missense changes on protein structure and function (PolyPhen-2) suggests that this variant is likely to be disruptive. In summary, the available evidence is currently insufficient to determine the role of this variant in disease. Therefore, it has been classified as a Variant of Uncertain Significance.

NM_001382273.1(TNK2):c.2384C>T (p.Pro795Leu)

Gene: TNK2 (tyrosine kinase non receptor 2; minus strand). Cytogenetic location: 3q29.
Variant type: single nucleotide variant.
Coding change: c.2384C>T on transcript NM_001382273.1 (MANE Select); coding-DNA position 2384, C replaced by T.
Protein change: p.Pro795Leu; replaces proline 795 with leucine.
Molecular consequence: missense variant. On other transcripts: non-coding transcript variant (15).
Genome position (GRCh38, 1-based): chr3:195,867,914, G>A on the plus strand (C>T on the coding strand, the complement: TNK2 is on the minus strand). VCF-style: chr3-195867914-G-A. GRCh37 (hg19) VCF-style: chr3-195594785-G-A.
Other names: c.2456C>T, p.Pro819Leu (NM_001010938.2, NM_001382272.1); c.2435C>T, p.Pro812Leu (NM_001308046.2, NM_001382271.1); c.2384C>T, p.Pro795Leu (NM_001382274.1, NM_001387716.1, NM_001387717.1 and 1 more transcripts); c.2480C>T, p.Pro827Leu (NM_001382275.1, NM_001387707.1); c.2339C>T, p.Pro780Leu (NM_001386164.1, NM_001387709.1, NM_001387710.1 and 8 more transcripts); c.2411C>T, p.Pro804Leu (NM_001387708.1, NM_001387715.1); short protein forms P780L, P795L, P812L, P827L, P804L, P819L.
Identifiers: ClinVar variation 1500608 (VCV001500608.6), dbSNP rs757888662, ClinGen allele CA2775945.
Genomic context (GRCh38, chr3:195,867,914, plus strand): 5'-CTGCCAGGTGGTACCAGGGGGCTGGGTGTCCTCGAGCCTTGAGGGGACAGGGGCTCCCGC[G>A]GAGGCACCCGGGGAGGGGAAGCAGGTCCAGGCCACTGGCTGGTCTCCTCCTCGCCCGGGG-3'
Protein context (NP_001369202.1, residues 785-805): PGPASPPRVP[Pro795Leu]REPLSPQGSR